The following is an entry in ClinVar:

ClinVar aggregate classification (germline): Likely benign (0 of 4 stars; one submission).

Conditions:
ELP2-related disorder. Also called: ELP2-related condition; ELP2-Related Disorders.

Allele frequency attached by ClinVar (database versions not stated): TOPMed 0.00003; gnomAD 0.00005; ExAC 0.00006; gnomAD exomes 0.00008.
gnomAD v4.1: 124 of 1,614,050 alleles (0.0077%); highest among the groups gnomAD compares: Non-Finnish European, 0.0093%; no homozygotes.

Submission:

PreventionGenetics, part of Exact Sciences
Classification: Likely benign for ELP2-related condition. Last evaluated: 2019-11-27. Review status: no assertion criteria provided. Collection method: clinical testing. Allele origin: germline.
Comment: This variant is classified as likely benign based on ACMG/AMP sequence variant interpretation guidelines (Richards et al. 2015 PMID: 25741868, with internal and published modifications).

NM_018255.4(ELP2):c.1035T>C (p.Tyr345=)

Gene: ELP2 (elongator acetyltransferase complex subunit 2; plus strand). Cytogenetic location: 18q12.2.
Variant type: single nucleotide variant.
Coding change: c.1035T>C on transcript NM_018255.4 (MANE Select); coding-DNA position 1035, T replaced by C.
Protein change: p.Tyr345=; no amino-acid change (tyrosine 345 retained).
Molecular consequence: synonymous variant. On other transcripts: non-coding transcript variant (4), intron variant (3).
Genome position (GRCh38, 1-based): chr18:36,146,291, T>C. VCF-style: chr18-36146291-T-C. GRCh37 (hg19) VCF-style: chr18-33726254-T-C.
Other names: c.1230T>C, p.Tyr410= (NM_001242875.3); c.957T>C, p.Tyr319= (NM_001242877.3); c.825T>C, p.Tyr275= (NM_001242879.3); c.1152T>C, p.Tyr384= (NM_001324466.2); c.1035T>C, p.Tyr345= (NM_001324467.2); c.588T>C, p.Tyr196= (NM_001324468.2); c.993+243T>C (NM_001324465.2); c.1110+243T>C (NM_001242876.3); and 1 more.
Identifiers: ClinVar variation 3049226 (VCV003049226.2), dbSNP rs754605479, ClinGen allele CA8939833.